The following is an entry in ClinVar:

ClinVar aggregate classification (germline): Uncertain significance (1 of 4 stars; one submission).

Conditions:
Leber congenital amaurosis 6 (LCA6). Identifiers: Orphanet 65, MedGen C1854260, MONDO:0013446, OMIM 613826.
Cone-rod dystrophy 13 (CORD13). Identifiers: Orphanet 1872, MedGen C2750720, MONDO:0011987, OMIM 608194.

Submission:

Labcorp Genetics (formerly Invitae), Labcorp
Classification: Uncertain significance for Leber congenital amaurosis 6; Cone-rod dystrophy 13. Last evaluated: 2021-02-03. Review status: criteria provided, single submitter. Criteria: Invitae Variant Classification Sherloc (09022015). Collection method: clinical testing. Allele origin: germline.
Comment: In summary, the available evidence is currently insufficient to determine the role of this variant in disease. Therefore, it has been classified as a Variant of Uncertain Significance. Algorithms developed to predict the effect of missense changes on protein structure and function output the following: SIFT: "Tolerated"; PolyPhen-2: "Benign"; Align-GVGD: "Class C0". The glutamic acid amino acid residue is found in multiple mammalian species, suggesting that this missense change does not adversely affect protein function. These predictions have not been confirmed by published functional studies and their clinical significance is uncertain. This variant has not been reported in the literature in individuals with RPGRIP1-related conditions. This variant is not present in population databases (ExAC no frequency). This sequence change replaces lysine with glutamic acid at codon 943 of the RPGRIP1 protein (p.Lys943Glu). The lysine residue is weakly conserved and there is a small physicochemical difference between lysine and glutamic acid.

NM_020366.4(RPGRIP1):c.2827A>G (p.Lys943Glu)

Gene: RPGRIP1 (RPGR interacting protein 1; plus strand). Cytogenetic location: 14q11.2.
Variant type: single nucleotide variant.
Coding change: c.2827A>G on transcript NM_020366.4 (MANE Select); coding-DNA position 2827, A replaced by G.
Protein change: p.Lys943Glu; replaces lysine 943 with glutamic acid.
Molecular consequence: missense variant.
Genome position (GRCh38, 1-based): chr14:21,327,739, A>G. VCF-style: chr14-21327739-A-G. GRCh37 (hg19) VCF-style: chr14-21795898-A-G.
Other names: c.805A>G, p.Lys269Glu (NM_001377523.1, NM_001377950.1); c.1753A>G, p.Lys585Glu (NM_001377948.1); c.913A>G, p.Lys305Glu (NM_001377949.1); c.307A>G, p.Lys103Glu (NM_001377951.1); short protein forms K269E, K585E, K305E, K103E, K943E.
Identifiers: ClinVar variation 1461615 (VCV001461615.8), dbSNP rs2139246249, ClinGen allele CA388870698.